The following is an entry in ClinVar:

NM_005591.4(MRE11):c.230A>T (p.Glu77Val)

Gene: MRE11 (MRE11 double strand break repair nuclease; minus strand). Cytogenetic location: 11q21.
Variant type: single nucleotide variant.
Coding change: c.230A>T on transcript NM_005591.4 (MANE Select); coding-DNA position 230, A replaced by T.
Protein change: p.Glu77Val; replaces glutamic acid 77 with valine.
Molecular consequence: missense variant.
Genome position (GRCh38, 1-based): chr11:94,486,008, T>A on the plus strand (A>T on the coding strand, the complement: MRE11 is on the minus strand). VCF-style: chr11-94486008-T-A. GRCh37 (hg19) VCF-style: chr11-94219174-T-A.
Other names: c.230A>T, p.Glu77Val (NM_001330347.2, NM_005590.4); short protein forms E77V.
Identifiers: ClinVar variation 407897 (VCV000407897.18), dbSNP rs1060501791, ClinGen allele CA16613464.

ClinVar aggregate classification (germline): Uncertain significance. Review status: criteria provided, multiple submitters, no conflicts (2 of 4 stars). 2 submissions from 2 submitters: Uncertain significance (2). Last evaluated 2025-09-17.

Conditions:
Ataxia-telangiectasia-like disorder (ATLD). Identifiers: MedGen C1858391, MONDO:0011457.
Hereditary cancer-predisposing syndrome. Also called: Hereditary Cancer Syndrome; Hereditary neoplastic syndrome; Neoplastic Syndromes, Hereditary; Tumor predisposition. Identifiers: Orphanet 140162, MedGen C0027672, MeSH D009386, MONDO:0015356.

Allele frequency attached by ClinVar (database versions not stated): gnomAD exomes 0.00001.
gnomAD v4.1: 5 of 1,613,894 alleles (0.00031%); highest among the groups gnomAD compares: Non-Finnish European, 0.00042%; no homozygotes.

Submissions (2):

Ambry Genetics
Classification: Uncertain significance for Hereditary cancer-predisposing syndrome. Last evaluated: 2025-09-17. Review status: criteria provided, single submitter. Criteria: Ambry Variant Classification Scheme 2023. Collection method: clinical testing. Allele origin: germline.
Comment: The p.E77V variant (also known as c.230A>T), located in coding exon 3 of the MRE11A gene, results from an A to T substitution at nucleotide position 230. The glutamic acid at codon 77 is replaced by valine, an amino acid with dissimilar properties. This amino acid position is well conserved in available vertebrate species. In addition, the in silico prediction for this alteration is inconclusive. Since supporting evidence is limited at this time, the clinical significance of this alteration remains unclear.

Labcorp Genetics (formerly Invitae), Labcorp
Classification: Uncertain significance for Ataxia-telangiectasia-like disorder. Last evaluated: 2021-04-02. Review status: criteria provided, single submitter. Criteria: Invitae Variant Classification Sherloc (09022015). Collection method: clinical testing. Allele origin: germline.
Comment: In summary, this variant is a novel missense change with uncertain impact on protein function. It has been classified as a Variant of Uncertain Significance. Algorithms developed to predict the effect of missense changes on protein structure and function do not agree on the potential impact of this missense change (SIFT: "Deleterious"; PolyPhen-2: "Possibly Damaging"; Align-GVGD: "Class C0"). This variant is not present in population databases (ExAC no frequency) and has not been reported in the literature in individuals with a MRE11A-related disease. This sequence change replaces glutamic acid with valine at codon 77 of the MRE11A protein (p.Glu77Val). The glutamic acid residue is moderately conserved and there is a moderate physicochemical difference between glutamic acid and valine.